The following is an entry in ClinVar:

ClinVar aggregate classification (germline): Uncertain significance (1 of 4 stars; one submission).

Submission:

Ambry Genetics
Classification: Uncertain significance. Last evaluated: 2024-04-01. Review status: criteria provided, single submitter. Criteria: Ambry Variant Classification Scheme 2023. Collection method: clinical testing. Allele origin: germline.
Comment: The p.A626G variant (also known as c.1877C>G), located in coding exon 12 of the POLQ gene, results from a C to G substitution at nucleotide position 1877. The alanine at codon 626 is replaced by glycine, an amino acid with similar properties. This amino acid position is conserved. In addition, this alteration is predicted to be tolerated by in silico analysis. Based on the available evidence, the clinical significance of this alteration remains unclear.

NM_199420.4(POLQ):c.1877C>G (p.Ala626Gly)

Gene: POLQ (DNA polymerase theta; minus strand). Cytogenetic location: 3q13.33.
Variant type: single nucleotide variant.
Coding change: c.1877C>G on transcript NM_199420.4 (MANE Select); coding-DNA position 1877, C replaced by G.
Protein change: p.Ala626Gly; replaces alanine 626 with glycine.
Molecular consequence: missense variant.
Genome position (GRCh38, 1-based): chr3:121,509,643, G>C on the plus strand (C>G on the coding strand, the complement: POLQ is on the minus strand). VCF-style: chr3-121509643-G-C. GRCh37 (hg19) VCF-style: chr3-121228490-G-C.
Other names: short protein forms A626G.
Identifiers: ClinVar variation 3308613 (VCV003308613.1).